The following is an entry in ClinVar:

ClinVar aggregate classification (germline): Pathogenic (1 of 4 stars; one submission).

Conditions:
Glycine encephalopathy. Also called: Nonketotic hyperglycinemia; Non-ketotic hyperglycinemia. Identifiers: Orphanet 407, MedGen C0751748, MONDO:0011612, HP:0008288.

Submission:

Labcorp Genetics (formerly Invitae), Labcorp
Classification: Pathogenic for Glycine encephalopathy. Last evaluated: 2020-08-03. Review status: criteria provided, single submitter. Criteria: Invitae Variant Classification Sherloc (09022015). Collection method: clinical testing. Allele origin: germline.
Comment: This variant is a gross deletion of the genomic region encompassing exons 1-21 of the GLDC gene, which includes the initiator codon. The 5' end of this event is unknown as it extends beyond the assayed region for this gene and therefore may encompass additional genes. The 3' boundary is likely confined to intron 21 of the GLDC gene. This is expected to result in an absent or disrupted protein product. This variant has been observed in an individual with glycine encephalopathy (PMID: 26179960). Loss-of-function variants in GLDC are known to be pathogenic (PMID: 16601880). For these reasons, this variant has been classified as Pathogenic.

Literature cited by the submitters: PubMed 26179960; PubMed 16601880.

NC_000009.11:g.(?_6550783)_(6645519_?)del

Gene: GLDC (glycine decarboxylase; minus strand). Cytogenetic location: 9p24.1.
Variant type: Deletion.
Identifiers: ClinVar variation 1074244 (VCV001074244.1).